The following is an entry in ClinVar:

NM_001005498.4(RHBDF2):c.151-39G>T

Gene: RHBDF2 (rhomboid 5 homolog 2; minus strand). Cytogenetic location: 17q25.1.
Variant type: single nucleotide variant.
Coding change: c.151-39G>T on transcript NM_001005498.4 (MANE Select); 39 bases into the intron before coding-DNA position 151, G replaced by T.
Molecular consequence: intron variant. On other transcripts: missense variant (1).
Genome position (GRCh38, 1-based): chr17:76,479,893, C>A on the plus strand (G>T on the coding strand, the complement: RHBDF2 is on the minus strand). VCF-style: chr17-76479893-C-A. GRCh37 (hg19) VCF-style: chr17-74475975-C-A.
Other names: c.199G>T, p.Ala67Ser (NM_024599.5); c.151-39G>T (NM_001376230.1, NM_001376228.1, NM_001376229.1); short protein forms A67S.
Identifiers: ClinVar variation 325466 (VCV000325466.24), dbSNP rs3809694, ClinGen allele CA8787468.

ClinVar aggregate classification (germline): Benign. Review status: criteria provided, multiple submitters, no conflicts (2 of 4 stars). 9 submissions from 9 submitters: Benign (7). 2 of the submissions do not count toward it. Last evaluated 2026-02-04.

Conditions:
Palmoplantar keratoderma-esophageal carcinoma syndrome (TOC). Also called: PALMOPLANTAR KERATODERMA WITH ESOPHAGEAL CANCER; KERATOSIS PALMARIS ET PLANTARIS WITH ESOPHAGEAL CANCER; Tylosis with Esophageal Cancer. Identifiers: Orphanet 2198, MedGen C1835664, MONDO:0007856, OMIM 148500.

Allele frequency attached by ClinVar (database versions not stated): ESP Exome Variant Server 0.40409; gnomAD 0.43017 and 0.43405; TOPMed 0.43137; 1000 Genomes Project 30x 0.45019; 1000 Genomes Project 0.45627; gnomAD exomes 0.46930 and 0.48941; ExAC 0.50833.
gnomAD v4.1: 747,952 of 1,606,028 alleles (47%); highest among the groups gnomAD compares: East Asian, 62%; 177,075 homozygotes.

Submissions (9):

Labcorp Genetics (formerly Invitae), Labcorp
Classification: Benign. Last evaluated: 2026-02-04. Review status: criteria provided, single submitter. Criteria: Invitae Variant Classification Sherloc (09022015). Collection method: clinical testing. Allele origin: germline.

Blueprint Genetics
Classification: Benign. Last evaluated: 2024-11-28. Review status: criteria provided, single submitter. Criteria: ACMG Guidelines, 2015. Collection method: clinical testing. Allele origin: germline.

KCCC/NGS Laboratory, Kuwait Cancer Control Center
Classification: Benign for Palmoplantar keratoderma-esophageal carcinoma syndrome. Last evaluated: 2023-07-07. Review status: criteria provided, single submitter. Criteria: ACMG Guidelines, 2015. Collection method: clinical testing. Allele origin: germline. Affected: yes.

Genome-Nilou Lab
Classification: Benign for Palmoplantar keratoderma-esophageal carcinoma syndrome. Last evaluated: 2021-11-07. Review status: criteria provided, single submitter. Criteria: ACMG Guidelines, 2015. Collection method: clinical testing. Allele origin: germline. Affected: no.

GeneDx
Classification: Benign. Last evaluated: 2021-06-09. Review status: criteria provided, single submitter. Criteria: GeneDx Variant Classification Process June 2021. Collection method: clinical testing. Allele origin: germline. Affected: yes.

Illumina Laboratory Services, Illumina
Classification: Benign for Palmoplantar keratoderma-esophageal carcinoma syndrome. Last evaluated: 2018-01-13. Review status: criteria provided, single submitter. Criteria: ICSL Variant Classification Criteria 13 December 2019. Collection method: clinical testing. Allele origin: germline.
Comment: This variant was observed in the ICSL laboratory as part of a predisposition screen in an ostensibly healthy population. It had not been previously curated by ICSL or reported in the Human Gene Mutation Database (HGMD: prior to June 1st, 2018), and was therefore a candidate for classification through an automated scoring system. Utilizing variant allele frequency, disease prevalence and penetrance estimates, and inheritance mode, an automated score was calculated to assess if this variant is too frequent to cause the disease. Based on the score and internal cut-off values, a variant classified as benign is not then subjected to further curation. The score for this variant resulted in a classification of benign for this disease.

Breakthrough Genomics
Classification: Benign. Review status: criteria provided, single submitter. Criteria: ACMG Guidelines, 2015. Collection method: not provided. Allele origin: germline. Inheritance: Autosomal dominant inheritance. Affected: yes.

Diagnostic Laboratory, Department of Genetics, University Medical Center Groningen
Classification: Benign. Review status: no assertion criteria provided. Collection method: clinical testing. Allele origin: germline. Affected: yes. Study: VKGL Data-share Consensus. Not counted in ClinVar's aggregate classification.

Joint Genome Diagnostic Labs from Nijmegen and Maastricht, Radboudumc and MUMC+
Classification: Benign. Review status: no assertion criteria provided. Collection method: clinical testing. Allele origin: germline. Affected: yes. Study: VKGL Data-share Consensus. Not counted in ClinVar's aggregate classification.